The following is an entry in ClinVar:

ClinVar aggregate classification (germline): Uncertain significance (1 of 4 stars; one submission).

Conditions:
Hereditary cancer-predisposing syndrome. Also called: Neoplastic Syndromes, Hereditary; Tumor predisposition; Hereditary neoplastic syndrome; Hereditary Cancer Syndrome. Identifiers: Orphanet 140162, MedGen C0027672, MeSH D009386, MONDO:0015356.

Submission:

Ambry Genetics
Classification: Uncertain significance for Hereditary cancer-predisposing syndrome. Last evaluated: 2023-10-19. Review status: criteria provided, single submitter. Criteria: Ambry Variant Classification Scheme 2023. Collection method: clinical testing. Allele origin: germline.
Comment: The p.K959I variant (also known as c.2876A>T), located in coding exon 17 of the DICER1 gene, results from an A to T substitution at nucleotide position 2876. The lysine at codon 959 is replaced by isoleucine, an amino acid with dissimilar properties. This amino acid position is conserved. In addition, this alteration is predicted to be tolerated by in silico analysis. Since supporting evidence is limited at this time, the clinical significance of this alteration remains unclear.

NM_177438.3(DICER1):c.2876A>T (p.Lys959Ile)

Gene: DICER1 (dicer 1, ribonuclease III; minus strand). Cytogenetic location: 14q32.13.
Variant type: single nucleotide variant.
Coding change: c.2876A>T on transcript NM_177438.3 (MANE Select); coding-DNA position 2876, A replaced by T.
Protein change: p.Lys959Ile; replaces lysine 959 with isoleucine.
Molecular consequence: missense variant. On other transcripts: non-coding transcript variant (6).
Genome position (GRCh38, 1-based): chr14:95,106,152, T>A on the plus strand (A>T on the coding strand, the complement: DICER1 is on the minus strand). VCF-style: chr14-95106152-T-A. GRCh37 (hg19) VCF-style: chr14-95572489-T-A.
Other names: c.2876A>T, p.Lys959Ile (NM_001195573.1, NM_001271282.3, NM_001291628.2 and 13 more transcripts); c.2594A>T, p.Lys865Ile (NM_001395686.1); c.2471A>T, p.Lys824Ile (NM_001395687.1, NM_001395688.1, NM_001395689.1 and 2 more transcripts); c.2309A>T, p.Lys770Ile (NM_001395691.1); c.1193A>T, p.Lys398Ile (NM_001395697.1); short protein forms K398I, K770I, K824I, K865I, K959I.
Identifiers: ClinVar variation 3229348 (VCV003229348.1), dbSNP rs1891402881, ClinGen allele CA390879052.
Genomic context (GRCh38, chr14:95,106,152, plus strand): 5'-TCAAGGTTGTACTTTGTTTTATAATATTCTGCAAAAGTTTCATACTCAGGGGAAGGAAAT[T>A]TACTGAGTGGGGTAAGATCAGTGTACACATCAGCTACATAAAATCGATGAGGCTGATCAA-3'
Protein context (NP_803187.1, residues 949-969): DVYTDLTPLS[Lys959Ile]FPSPEYETFA